The following is an entry in ClinVar:

ClinVar aggregate classification (germline): Benign (1 of 4 stars; one submission).

Submission:

Unidad de Genómica Garrahan, Hospital de Pediatría Garrahan
Classification: Benign. Last evaluated: 2024-01-24. Review status: criteria provided, single submitter. Criteria: ACMG Guidelines, 2015. Collection method: clinical testing. Allele origin: germline. Affected: no. Observed: 53 variant alleles.
Comment: This variant is classified as Benign based on local population frequency. This variant was detected in 60% of patients studied by a panel of primary immunodeficiencies. Number of patients: 53. Only high quality variants are reported.

NM_001322934.2(NFKB2):c.145-89dup

Gene: NFKB2 (nuclear factor kappa B subunit 2; plus strand). Cytogenetic location: 10q24.32.
Variant type: Duplication.
Coding change: c.145-89dup on transcript NM_001322934.2 (MANE Select); 89 bases into the intron before coding-DNA position 145, one base duplicated (T; older notation c.145-89dupT).
Molecular consequence: intron variant.
Genome position (GRCh38, 1-based): chr10:102,396,636, T duplicated; the last of 3 consecutive T bases (chr10:102,396,634-102,396,636); duplicating any one gives the same sequence. VCF-style (leftmost placement, unchanged base first): chr10-102396633-G-GT. GRCh37 (hg19) VCF-style: chr10-104156390-G-GT.
Other names: c.145-89dup (NM_001288724.1, NM_001322935.1, NM_001077494.3 and 2 more transcripts).
Identifiers: ClinVar variation 2688390 (VCV002688390.2), dbSNP rs138364110, ClinGen allele CA212213675.